The following is an entry in ClinVar:

ClinVar aggregate classification (germline): Uncertain significance (1 of 4 stars; one submission).

Allele frequency attached by ClinVar (database versions not stated): TOPMed below 0.00001; gnomAD 0.00001; gnomAD exomes 0.00001.

Submission:

Labcorp Genetics (formerly Invitae), Labcorp
Classification: Uncertain significance. Last evaluated: 2022-04-17. Review status: criteria provided, single submitter. Criteria: Invitae Variant Classification Sherloc (09022015). Collection method: clinical testing. Allele origin: germline.
Comment: This sequence change replaces histidine, which is basic and polar, with tyrosine, which is neutral and polar, at codon 55 of the LAT protein (p.His55Tyr). This variant is not present in population databases (gnomAD no frequency). This variant has not been reported in the literature in individuals affected with LAT-related conditions. Algorithms developed to predict the effect of missense changes on protein structure and function output the following: SIFT: "Tolerated"; PolyPhen-2: "Benign"; Align-GVGD: "Class C0". The tyrosine amino acid residue is found in multiple mammalian species, which suggests that this missense change does not adversely affect protein function. In summary, the available evidence is currently insufficient to determine the role of this variant in disease. Therefore, it has been classified as a Variant of Uncertain Significance.

NM_001014987.2(LAT):c.163C>T (p.His55Tyr)

Gene: LAT (linker for activation of T cells; plus strand). Cytogenetic location: 16p11.2.
Variant type: single nucleotide variant.
Coding change: c.163C>T on transcript NM_001014987.2 (MANE Select); coding-DNA position 163, C replaced by T.
Protein change: p.His55Tyr; replaces histidine 55 with tyrosine.
Molecular consequence: missense variant.
Genome position (GRCh38, 1-based): chr16:28,985,888, C>T. VCF-style: chr16-28985888-C-T. GRCh37 (hg19) VCF-style: chr16-28997209-C-T.
Other names: c.163C>T, p.His55Tyr (NM_001014988.2, NM_014387.4); c.271C>T, p.His91Tyr (NM_001014989.2); short protein forms H91Y, H55Y.
Identifiers: ClinVar variation 1910200 (VCV001910200.2), dbSNP rs1243208615, ClinGen allele CA395439736.